The following is an entry in ClinVar:

ClinVar aggregate classification (germline): Uncertain significance (1 of 4 stars; one submission).

Submission:

GeneDx
Classification: Uncertain significance. Last evaluated: 2021-03-13. Review status: criteria provided, single submitter. Criteria: GeneDx Variant Classification Process June 2021. Collection method: clinical testing. Allele origin: germline. Affected: yes.
Comment: Not observed in large population cohorts (gnomAD); In silico analysis supports that this missense variant does not alter protein structure/function; Has not been previously published as pathogenic or benign to our knowledge

NM_019066.5(MAGEL2):c.1094C>T (p.Pro365Leu)

Gene: MAGEL2 (MAGE family member L2; minus strand). Cytogenetic location: 15q11.2.
Variant type: single nucleotide variant.
Coding change: c.1094C>T on transcript NM_019066.5 (MANE Select); coding-DNA position 1094, C replaced by T.
Protein change: p.Pro365Leu; replaces proline 365 with leucine.
Molecular consequence: missense variant.
Genome position (GRCh38, 1-based): chr15:23,646,649, G>A on the plus strand (C>T on the coding strand, the complement: MAGEL2 is on the minus strand). VCF-style: chr15-23646649-G-A. GRCh37 (hg19) VCF-style: chr15-23891796-G-A.
Other names: short protein forms P365L.
Identifiers: ClinVar variation 3338699 (VCV003338699.1).
Genomic context (GRCh38, chr15:23,646,649, plus strand): 5'-GTGGCCTGCCAGCCTTGCTGCGTGGCCTGCCATCCTGGCGAGGTCGCCTGCCAGCCCGGG[G>A]GTGTGGCTAGCTGCGCTGGGGGTGCCTGCGGGCCCTGGGGAACCTGCGGAGGAGCCCTTA-3'
Protein context (NP_061939.3, residues 355-375): PQAPPAQLAT[Pro365Leu]PGWQATSPGW